The following is an entry in ClinVar:

NM_005097.4(LGI1):c.460C>A (p.Leu154Ile)

Gene: LGI1 (leucine rich glioma inactivated 1; plus strand). Cytogenetic location: 10q23.33.
Variant type: single nucleotide variant.
Coding change: c.460C>A on transcript NM_005097.4 (MANE Select); coding-DNA position 460, C replaced by A.
Protein change: p.Leu154Ile; replaces leucine 154 with isoleucine.
Molecular consequence: missense variant. On other transcripts: non-coding transcript variant (1).
Genome position (GRCh38, 1-based): chr10:93,790,127, C>A. VCF-style: chr10-93790127-C-A. GRCh37 (hg19) VCF-style: chr10-95549884-C-A.
Other names: c.460C>A, p.Leu154Ile (NM_001308275.2); c.316C>A, p.Leu106Ile (NM_001308276.2); short protein forms L154I, L106I.
Identifiers: ClinVar variation 936250 (VCV000936250.13), dbSNP rs2059923858, ClinGen allele CA377622112.

ClinVar aggregate classification (germline): Uncertain significance. Review status: criteria provided, multiple submitters, no conflicts (2 of 4 stars). 3 submissions from 3 submitters: Uncertain significance (3). Last evaluated 2024-11-27.

Conditions:
Autosomal dominant epilepsy with auditory features. Identifiers: Orphanet 101046, MedGen C1838062, MONDO:0010898.
Inborn genetic diseases. Identifiers: MedGen C0950123, MeSH D030342.

Submissions (3):

Ambry Genetics
Classification: Uncertain significance for Inborn genetic diseases. Last evaluated: 2024-11-27. Review status: criteria provided, single submitter. Criteria: Ambry Variant Classification Scheme 2023. Collection method: clinical testing. Allele origin: germline.

GeneDx
Classification: Uncertain significance. Last evaluated: 2024-02-06. Review status: criteria provided, single submitter. Criteria: GeneDx Variant Classification Process June 2021. Collection method: clinical testing. Allele origin: germline. Affected: yes.
Comment: Not observed at significant frequency in large population cohorts (gnomAD); In silico analysis supports that this missense variant does not alter protein structure/function; Has not been previously published as pathogenic or benign to our knowledge

Labcorp Genetics (formerly Invitae), Labcorp
Classification: Uncertain significance for Autosomal dominant epilepsy with auditory features. Last evaluated: 2023-03-20. Review status: criteria provided, single submitter. Criteria: Invitae Variant Classification Sherloc (09022015). Collection method: clinical testing. Allele origin: germline.
Comment: This sequence change replaces leucine, which is neutral and non-polar, with isoleucine, which is neutral and non-polar, at codon 154 of the LGI1 protein (p.Leu154Ile). This variant is not present in population databases (gnomAD no frequency). This variant has not been reported in the literature in individuals affected with LGI1-related conditions. ClinVar contains an entry for this variant (Variation ID: 936250). Advanced modeling of protein sequence and biophysical properties (such as structural, functional, and spatial information, amino acid conservation, physicochemical variation, residue mobility, and thermodynamic stability) has been performed at Invitae for this missense variant, however the output from this modeling did not meet the statistical confidence thresholds required to predict the impact of this variant on LGI1 protein function. This variant disrupts the p.Leu154 amino acid residue in LGI1. Other variant(s) that disrupt this residue have been determined to be pathogenic (PMID: 15660777). This suggests that this residue is clinically significant, and that variants that disrupt this residue are likely to be disease-causing. In summary, the available evidence is currently insufficient to determine the role of this variant in disease. Therefore, it has been classified as a Variant of Uncertain Significance.

Literature cited by the submitters: PubMed 15660777 (cited by Labcorp Genetics (formerly Invitae), Labcorp).